The following is an entry in ClinVar:

ClinVar aggregate classification (germline): Uncertain significance (1 of 4 stars; one submission).

Conditions:
Hereditary cancer-predisposing syndrome. Also called: Neoplastic Syndromes, Hereditary; Tumor predisposition; Hereditary Cancer Syndrome; Hereditary neoplastic syndrome. Identifiers: Orphanet 140162, MedGen C0027672, MeSH D009386, MONDO:0015356.

gnomAD v4.1: 1 of 1,614,064 alleles (0.000062%); highest among the groups gnomAD compares: Non-Finnish European, 0.000085%; no homozygotes.

Submission:

Ambry Genetics
Classification: Uncertain significance for Hereditary cancer-predisposing syndrome. Last evaluated: 2026-06-14. Review status: criteria provided, single submitter. Criteria: Ambry Variant Classification Scheme 2023. Collection method: clinical testing. Allele origin: germline.
Comment: The p.K609E variant (also known as c.1825A>G), located in coding exon 15 of the EGFR gene, results from an A to G substitution at nucleotide position 1825. The lysine at codon 609 is replaced by glutamic acid, an amino acid with similar properties. This amino acid position is conserved. In addition, the in silico prediction for this alteration is inconclusive. Based on the available evidence, the clinical significance of this variant remains unclear.

NM_005228.5(EGFR):c.1825A>G (p.Lys609Glu)

Gene: EGFR (epidermal growth factor receptor; plus strand). Cytogenetic location: 7p11.2.
Variant type: single nucleotide variant.
Coding change: c.1825A>G on transcript NM_005228.5 (MANE Select); coding-DNA position 1825, A replaced by G.
Protein change: p.Lys609Glu; replaces lysine 609 with glutamic acid.
Molecular consequence: missense variant.
Genome position (GRCh38, 1-based): chr7:55,165,382, A>G. VCF-style: chr7-55165382-A-G. GRCh37 (hg19) VCF-style: chr7-55233075-A-G.
Other names: c.1690A>G, p.Lys564Glu (NM_001346897.2, NM_001346899.2); c.1825A>G, p.Lys609Glu (NM_001346898.2, NM_201282.2, NM_201284.2); c.1666A>G, p.Lys556Glu (NM_001346900.2); c.1024A>G, p.Lys342Glu (NM_001346941.2); short protein forms K342E, K556E, K564E, K609E.
Identifiers: ClinVar variation 4870298 (VCV004870298.1).